The following is an entry in ClinVar:

NM_001372044.2(SHANK3):c.4132C>T (p.Arg1378Ter)

Gene: SHANK3 (SH3 and multiple ankyrin repeat domains 3; plus strand). Cytogenetic location: 22q13.33.
Variant type: single nucleotide variant.
Coding change: c.4132C>T on transcript NM_001372044.2 (MANE Select); coding-DNA position 4132, C replaced by T.
Protein change: p.Arg1378Ter; replaces arginine 1378 with a stop codon.
Molecular consequence: nonsense.
Genome position (GRCh38, 1-based): chr22:50,721,740, C>T. VCF-style: chr22-50721740-C-T. GRCh37 (hg19) VCF-style: chr22-51160168-C-T.
Other names: c.3907C>T, p.Arg1303Ter (NM_033517.1); short protein forms R1303*, R1378*.
Identifiers: ClinVar variation 545051 (VCV000545051.4), dbSNP rs1238131472, ClinGen allele CA515263354.
Genomic context (GRCh38, chr22:50,721,740, plus strand): 5'-GTGAACCTGCCACCTGCCCAGCTGTCGTCCAGCGATGAGGAGACCAGGGAGGAGCTGGCC[C>T]GAATTGGGTTGGTGCCACCCCCTGAAGAGTTTGCCAACGGGGTCCTGCTGGCCACCCCAC-3'

ClinVar aggregate classification (germline): Pathogenic. Review status: criteria provided, single submitter (1 of 4 stars). 2 submissions from 2 submitters: Pathogenic (1). 1 of the submissions does not count toward it. Last evaluated 2024-05-31.

Submissions (2):

GeneDx
Classification: Pathogenic. Last evaluated: 2024-05-31. Review status: criteria provided, single submitter. Criteria: GeneDx Variant Classification Process June 2021. Collection method: clinical testing. Allele origin: germline.
Comment: Nonsense variant predicted to result in protein truncation or nonsense mediated decay in a gene for which loss of function is a known mechanism of disease; Not observed at significant frequency in large population cohorts (gnomAD); Has not been previously published as pathogenic or benign to our knowledge

Laboratory of Molecular Genetics (Pr. Bezieau's lab), CHU de Nantes
Classification: Pathogenic. Last evaluated: 2016-12-19. Review status: no assertion criteria provided. Collection method: clinical testing. Allele origin: germline. Affected: yes. Not counted in ClinVar's aggregate classification.